The following is an entry in ClinVar:

ClinVar aggregate classification (germline): Pathogenic. Review status: criteria provided, multiple submitters, no conflicts (2 of 4 stars). 2 submissions from 2 submitters: Pathogenic (2). Last evaluated 2011-08-12.

Submissions (2):

ISCA site 14
Classification: Pathogenic. Last evaluated: 2011-08-12. Review status: criteria provided, single submitter. Criteria: Kaminsky et al. (Genet Med. 2011). Collection method: clinical testing. Allele origin: de novo. Affected: yes. Observed: 1 variant allele.
Comment: Copy number variation identified through the course of routine clinical cytogenomic testing in postnatal populations. Clinical assertions have been curated as described in Kaminsky et al. 2011.

ISCA site 4
Classification: Pathogenic. Last evaluated: 2011-08-12. Review status: criteria provided, single submitter. Criteria: Kaminsky et al. (Genet Med. 2011). Collection method: clinical testing. Allele origin: unknown. Affected: yes. Observed: 4 variant alleles. Clinical features observed: Developmental delay AND/OR other significant developmental or morphological phenotypes, Abnormality of the nervous system (HP:0000707), Global developmental delay (HP:0001263).
Comment: the same text as in the submission from ISCA site 14 above.

GRCh38/hg38 15q11.2-13.1(chr15:23411789-28275167)x1

Genes: ATP10A (ATPase phospholipid transporting 10A (putative); minus strand), ATP10A-DT (ATP10A divergent transcript; plus strand), GABRA5 (gamma-aminobutyric acid type A receptor subunit alpha5; plus strand), GABRB3 (gamma-aminobutyric acid type A receptor subunit beta3; minus strand), GABRG3 (gamma-aminobutyric acid type A receptor subunit gamma3; plus strand) and 138 more. Cytogenetic location: 15q11.2-13.1.
Variant type: copy number loss.
Change: copy number 1 (one copy instead of two) of chr15:23,411,789-28,275,167 (4.86 Mb, GRCh38 coordinates, 1-based), cytogenetic band 15q11.2-13.1.
Identifiers: ClinVar variation 160927 (VCV000160927.1).